The following is an entry in ClinVar:

ClinVar aggregate classification (germline): Uncertain significance (1 of 4 stars; one submission).

Conditions:
Dyskeratosis congenita, autosomal recessive 6 (DKCB6). Identifiers: MedGen C4225356, MONDO:0014600, OMIM 616353.
Pulmonary fibrosis and/or bone marrow failure, Telomere-related, 4. Also called: PULMONARY FIBROSIS AND/OR BONE MARROW FAILURE SYNDROME, TELOMERE-RELATED, 4. Identifiers: Orphanet 2032, MedGen C4225347, MONDO:0014612, OMIM 616371.

Submission:

Labcorp Genetics (formerly Invitae), Labcorp
Classification: Uncertain significance for Dyskeratosis congenita, autosomal recessive 6; Pulmonary fibrosis and/or bone marrow failure, Telomere-related, 4. Last evaluated: 2024-09-03. Review status: criteria provided, single submitter. Criteria: Invitae Variant Classification Sherloc (09022015). Collection method: clinical testing. Allele origin: germline.
Comment: This sequence change replaces valine, which is neutral and non-polar, with leucine, which is neutral and non-polar, at codon 240 of the PARN protein (p.Val240Leu). This variant is not present in population databases (gnomAD no frequency). This variant has not been reported in the literature in individuals affected with PARN-related conditions. Invitae Evidence Modeling of protein sequence and biophysical properties (such as structural, functional, and spatial information, amino acid conservation, physicochemical variation, residue mobility, and thermodynamic stability) indicates that this missense variant is not expected to disrupt PARN protein function with a negative predictive value of 80%. In summary, the available evidence is currently insufficient to determine the role of this variant in disease. Therefore, it has been classified as a Variant of Uncertain Significance.

NM_002582.4(PARN):c.718G>C (p.Val240Leu)

Gene: PARN (poly(A)-specific ribonuclease; minus strand). Cytogenetic location: 16p13.12.
Variant type: single nucleotide variant.
Coding change: c.718G>C on transcript NM_002582.4 (MANE Select); coding-DNA position 718, G replaced by C.
Protein change: p.Val240Leu; replaces valine 240 with leucine.
Molecular consequence: missense variant.
Genome position (GRCh38, 1-based): chr16:14,604,211, C>G on the plus strand (G>C on the coding strand, the complement: PARN is on the minus strand). VCF-style: chr16-14604211-C-G. GRCh37 (hg19) VCF-style: chr16-14698068-C-G.
Other names: c.535G>C, p.Val179Leu (NM_001134477.3); c.580G>C, p.Val194Leu (NM_001242992.2); short protein forms V179L, V194L, V240L.
Identifiers: ClinVar variation 3757838 (VCV003757838.2).
Genomic context (GRCh38, chr16:14,604,211, plus strand): 5'-CTTTGGCATGTTTCTGCTGCTCTCTTCTTTTGCGTTCTTCTTCATCTACTTTGCTGATAA[C>G]TATATATCGCTCCTTCTAAAAGACATAAAGCAGATATACAATTTTCTTTTCTTTTTCTTT-3'
Protein context (NP_002573.1, residues 230-250): LETEKKERYI[Val240Leu]ISKVDEEERK